The following is an entry in ClinVar:

NM_144997.7(FLCN):c.1602G>T (p.Lys534Asn)

Gene: FLCN (folliculin; minus strand). Cytogenetic location: 17p11.2.
Variant type: single nucleotide variant.
Coding change: c.1602G>T on transcript NM_144997.7 (MANE Select); coding-DNA position 1602, G replaced by T.
Protein change: p.Lys534Asn; replaces lysine 534 with asparagine.
Molecular consequence: missense variant.
Genome position (GRCh38, 1-based): chr17:17,213,793, C>A on the plus strand (G>T on the coding strand, the complement: FLCN is on the minus strand). VCF-style: chr17-17213793-C-A. GRCh37 (hg19) VCF-style: chr17-17117107-C-A.
Other names: c.1656G>T, p.Lys552Asn (NM_001353229.2); c.1602G>T, p.Lys534Asn (NM_001353230.2, NM_001353231.2); short protein forms K534N, K552N.
Identifiers: ClinVar variation 3341019 (VCV003341019.1).

ClinVar aggregate classification (germline): Uncertain significance (1 of 4 stars; one submission).

Submission:

GeneDx
Classification: Uncertain significance. Last evaluated: 2024-03-17. Review status: criteria provided, single submitter. Criteria: GeneDx Variant Classification Process June 2021. Collection method: clinical testing. Allele origin: germline. Affected: yes.
Comment: Not observed at significant frequency in large population cohorts (gnomAD); In silico analysis supports that this missense variant does not alter protein structure/function; Has not been previously published as pathogenic or benign to our knowledge; This variant is associated with the following publications: (PMID: 17028174)